The following is an entry in ClinVar:

ClinVar aggregate classification (germline): Pathogenic/Likely pathogenic. Review status: criteria provided, multiple submitters, no conflicts (2 of 4 stars). 3 submissions from 3 submitters: Pathogenic (2); Likely pathogenic (1). Last evaluated 2026-01-24.

Conditions:
Inborn genetic diseases. Identifiers: MedGen C0950123, MeSH D030342.
PHGDH deficiency. Identifiers: Orphanet 79351, MedGen C1866174, MONDO:0011152, OMIM 601815.

Allele frequency attached by ClinVar (database versions not stated): TOPMed 0.00001.
gnomAD v4.1: 10 of 1,580,246 alleles (0.00063%); highest among the groups gnomAD compares: African/African-American, 0.0013%; no homozygotes.

Submissions (3):

Labcorp Genetics (formerly Invitae), Labcorp
Classification: Pathogenic for PHGDH deficiency. Last evaluated: 2026-01-24. Review status: criteria provided, single submitter. Criteria: Invitae Variant Classification Sherloc (09022015). Collection method: clinical testing. Allele origin: germline.
Comment: This sequence change creates a premature translational stop signal (p.Gln355*) in the PHGDH gene. It is expected to result in an absent or disrupted protein product. Loss-of-function variants in PHGDH are known to be pathogenic (PMID: 14645240, 24836451). This variant is not present in population databases (gnomAD no frequency). This variant has not been reported in the literature in individuals affected with PHGDH-related conditions. ClinVar contains an entry for this variant (Variation ID: 1070899). Algorithms developed to predict the effect of sequence changes on RNA splicing suggest that this variant may disrupt the consensus splice site. For these reasons, this variant has been classified as Pathogenic.

Natera, Inc.
Classification: Likely pathogenic for Phosphoglycerate dehydrogenase deficiency. Last evaluated: 2025-08-10. Review status: criteria provided, single submitter. Criteria: Natera Variant Classification Schema (03/2026). Collection method: clinical testing. Allele origin: germline.
Comment: The c.1063C>T variant in PHGDH is a nonsense variant predicted to introduce a stop codon at amino acid 355. This variant is expected to result in nonsense mediated decay, truncation, or a dysfunctional protein product. This variant is rare in the general population with a frequency below the threshold expected for the associated phenotype(s). Given the available evidence, this variant is classified as Likely Pathogenic.

Ambry Genetics
Classification: Pathogenic for Inborn genetic diseases. Last evaluated: 2023-10-05. Review status: criteria provided, single submitter. Criteria: Ambry Variant Classification Scheme 2023. Collection method: clinical testing. Allele origin: germline.
Comment: The c.1063C>T (p.Q355*) alteration, located in exon 9 (coding exon 9) of the PHGDH gene, consists of a C to T substitution at nucleotide position 1063. This changes the amino acid from a glutamine (Q) to a stop codon at amino acid position 355. This alteration is expected to result in loss of function by premature protein truncation or nonsense-mediated mRNA decay. This variant was not reported in population-based cohorts in the Genome Aggregation Database (gnomAD). Based on the available evidence, this alteration is classified as pathogenic.

Literature cited by the submitters: PubMed 14645240 (cited by Labcorp Genetics (formerly Invitae), Labcorp); PubMed 24836451 (cited by Labcorp Genetics (formerly Invitae), Labcorp).

NM_006623.4(PHGDH):c.1063C>T (p.Gln355Ter)

Gene: PHGDH (phosphoglycerate dehydrogenase; plus strand). Cytogenetic location: 1p12.
Variant type: single nucleotide variant.
Coding change: c.1063C>T on transcript NM_006623.4 (MANE Select); coding-DNA position 1063, C replaced by T.
Protein change: p.Gln355Ter; replaces glutamine 355 with a stop codon.
Molecular consequence: nonsense.
Genome position (GRCh38, 1-based): chr1:119,740,503, C>T. VCF-style: chr1-119740503-C-T. GRCh37 (hg19) VCF-style: chr1-120283126-C-T.
Other names: c.1063C>T (NM_006623.3); short protein forms Q355*.
Identifiers: ClinVar variation 1070899 (VCV001070899.9), dbSNP rs979237677, ClinGen allele CA30262501.